The following is an entry in ClinVar:

ClinVar aggregate classification (germline): Benign. Review status: criteria provided, multiple submitters, no conflicts (2 of 4 stars). 3 submissions from 3 submitters: Benign (3). Last evaluated 2026-02-03.

Allele frequency attached by ClinVar (database versions not stated): 1000 Genomes Project 0.02696; 1000 Genomes Project 30x 0.02795; TOPMed 0.04630; ESP Exome Variant Server 0.04698.

Submissions (3):

Labcorp Genetics (formerly Invitae), Labcorp
Classification: Benign. Last evaluated: 2026-02-03. Review status: criteria provided, single submitter. Criteria: Invitae Variant Classification Sherloc (09022015). Collection method: clinical testing. Allele origin: germline.

GeneDx
Classification: Benign. Last evaluated: 2018-06-14. Review status: criteria provided, single submitter. Criteria: GeneDx Variant Classification (06012015). Collection method: clinical testing. Allele origin: germline. Affected: yes.
Comment: This variant is considered likely benign or benign based on one or more of the following criteria: it is a conservative change, it occurs at a poorly conserved position in the protein, it is predicted to be benign by multiple in silico algorithms, and/or has population frequency not consistent with disease.

Breakthrough Genomics
Classification: Benign. Review status: criteria provided, single submitter. Criteria: ACMG Guidelines, 2015. Collection method: not provided. Allele origin: germline. Inheritance: Autosomal recessive inheritance. Affected: yes.

NM_003201.3(TFAM):c.594+12G>A

Gene: TFAM (transcription factor A, mitochondrial; plus strand). Cytogenetic location: 10q21.1.
Variant type: single nucleotide variant.
Coding change: c.594+12G>A on transcript NM_003201.3 (MANE Select); 12 bases into the intron after coding-DNA position 594, G replaced by A.
Molecular consequence: intron variant.
Genome position (GRCh38, 1-based): chr10:58,394,426, G>A. VCF-style: chr10-58394426-G-A. GRCh37 (hg19) VCF-style: chr10-60154186-G-A.
Other names: c.498+12G>A (NM_001270782.2).
Identifiers: ClinVar variation 669578 (VCV000669578.10), dbSNP rs41283688, ClinGen allele CA5508020.
Genomic context (GRCh38, chr10:58,394,426, plus strand): 5'-GAAGACTGTAAAGGAAAACTGGAAAAATCTGTCTGACTCTGAAAAGGAAGTGAGTATTAC[G>A]GTTGTTAGTCTCAAGTGTCTACTTAGGATATCTGTGAGAGAATGTATTAGGGCAAGGCTT-3'